The following is an entry in ClinVar:

NM_006384.4(CIB1):c.356A>G (p.Asp119Gly)

Gene: CIB1 (calcium and integrin binding 1; minus strand). Cytogenetic location: 15q26.1.
Variant type: single nucleotide variant.
Coding change: c.356A>G on transcript NM_006384.4 (MANE Select); coding-DNA position 356, A replaced by G.
Protein change: p.Asp119Gly; replaces aspartic acid 119 with glycine.
Molecular consequence: missense variant. On other transcripts: non-coding transcript variant (2).
Genome position (GRCh38, 1-based): chr15:90,231,204, T>C on the plus strand (A>G on the coding strand, the complement: CIB1 is on the minus strand). VCF-style: chr15-90231204-T-C. GRCh37 (hg19) VCF-style: chr15-90774436-T-C.
Other names: c.476A>G, p.Asp159Gly (NM_001277764.2); short protein forms D119G, D159G.
Identifiers: ClinVar variation 1716863 (VCV001716863.5), dbSNP rs1316497708, ClinGen allele CA393814013.

ClinVar aggregate classification (germline): Uncertain significance (1 of 4 stars; one submission).

Allele frequency attached by ClinVar (database versions not stated): gnomAD exomes below 0.00001; gnomAD 0.00001; TOPMed 0.00001.
gnomAD v4.1: 5 of 1,582,318 alleles (0.00032%); highest among the groups gnomAD compares: South Asian, 0.0011%; no homozygotes.

Submission:

Labcorp Genetics (formerly Invitae), Labcorp
Classification: Uncertain significance. Last evaluated: 2022-11-08. Review status: criteria provided, single submitter. Criteria: Invitae Variant Classification Sherloc (09022015). Collection method: clinical testing. Allele origin: germline.
Comment: In summary, the available evidence is currently insufficient to determine the role of this variant in disease. Therefore, it has been classified as a Variant of Uncertain Significance. Algorithms developed to predict the effect of missense changes on protein structure and function are either unavailable or do not agree on the potential impact of this missense change (SIFT: "Tolerated"; PolyPhen-2: "Not Available"; Align-GVGD: "Class C0"). This variant has not been reported in the literature in individuals affected with CIB1-related conditions. This variant is not present in population databases (gnomAD no frequency). This sequence change replaces aspartic acid, which is acidic and polar, with glycine, which is neutral and non-polar, at codon 159 of the CIB1 protein (p.Asp159Gly).